The following is an entry in ClinVar:

NM_007194.4(CHEK2):c.148A>C (p.Ser50Arg)

Gene: CHEK2 (checkpoint kinase 2; minus strand). Cytogenetic location: 22q12.1.
Variant type: single nucleotide variant.
Coding change: c.148A>C on transcript NM_007194.4 (MANE Select); coding-DNA position 148, A replaced by C.
Protein change: p.Ser50Arg; replaces serine 50 with arginine.
Molecular consequence: missense variant.
Genome position (GRCh38, 1-based): chr22:28,734,574, T>G on the plus strand (A>C on the coding strand, the complement: CHEK2 is on the minus strand). VCF-style: chr22-28734574-T-G. GRCh37 (hg19) VCF-style: chr22-29130562-T-G.
Other names: c.148A>C, p.Ser50Arg (NM_001005735.3, NM_001349956.3, NM_145862.3); c.-630A>C (NM_001257387.3); short protein forms S50R.
Identifiers: ClinVar variation 572799 (VCV000572799.16), dbSNP rs1569171013, ClinGen allele CA411091034.
Genomic context (GRCh38, chr22:28,734,574, plus strand): 5'-CCTGAGTGGACACTGTCTCTAAGGAGCTCAGTGTCCCAGAGCTGGAGTGAGAGGACTGGC[T>G]GGAGTTTGGCATCGTGCTGGTAGAGGAGCTGGATATGCCCTGGGACTGTGAGGAGGAGCC-3'
Protein context (NP_009125.1, residues 40-60): SSSTSTMPNS[Ser50Arg]QSSHSSSGTL

ClinVar aggregate classification (germline): Uncertain significance. Review status: criteria provided, multiple submitters, no conflicts (2 of 4 stars). 3 submissions from 3 submitters: Uncertain significance (3). Last evaluated 2025-09-10.

Conditions:
Hereditary cancer-predisposing syndrome. Also called: Neoplastic Syndromes, Hereditary; Hereditary Cancer Syndrome; Tumor predisposition; Hereditary neoplastic syndrome. Identifiers: Orphanet 140162, MedGen C0027672, MeSH D009386, MONDO:0015356.
Familial cancer of breast. Also called: hereditary breast carcinoma; BREAST CANCER, FAMILIAL; Hereditary breast cancer. Identifiers: Orphanet 227535, MedGen C0346153, MONDO:0016419, OMIM 114480. Disease mechanism: loss of function.

Submissions (3):

Ambry Genetics
Classification: Uncertain significance for Hereditary cancer-predisposing syndrome. Last evaluated: 2025-09-10. Review status: criteria provided, single submitter. Criteria: Ambry Variant Classification Scheme 2023. Collection method: clinical testing. Allele origin: germline.
Comment: The p.S50R variant (also known as c.148A>C), located in coding exon 1 of the CHEK2 gene, results from an A to C substitution at nucleotide position 148. The serine at codon 50 is replaced by arginine, an amino acid with dissimilar properties. This amino acid position is highly conserved in available vertebrate species. In addition, the in silico prediction for this alteration is inconclusive. Since supporting evidence is limited at this time, the clinical significance of this alteration remains unclear.

Center for Genomic Medicine, Rigshospitalet, Copenhagen University Hospital
Classification: Uncertain significance. Last evaluated: 2025-03-04. Review status: criteria provided, single submitter. Criteria: ACMG Guidelines, 2015. Collection method: clinical testing. Allele origin: germline.

Labcorp Genetics (formerly Invitae), Labcorp
Classification: Uncertain significance for Familial cancer of breast. Last evaluated: 2020-12-04. Review status: criteria provided, single submitter. Criteria: Invitae Variant Classification Sherloc (09022015). Collection method: clinical testing. Allele origin: germline.
Comment: In summary, the available evidence is currently insufficient to determine the role of this variant in disease. Therefore, it has been classified as a Variant of Uncertain Significance. Algorithms developed to predict the effect of missense changes on protein structure and function do not agree on the potential impact of this missense change (SIFT: "Deleterious"; PolyPhen-2: "Probably Damaging"; Align-GVGD: "Class C0"). This variant has not been reported in the literature in individuals with CHEK2-related disease. This variant is not present in population databases (ExAC no frequency). This sequence change replaces serine with arginine at codon 50 of the CHEK2 protein (p.Ser50Arg). The serine residue is moderately conserved and there is a moderate physicochemical difference between serine and arginine.